The following is an entry in ClinVar:

ClinVar aggregate classification (germline): Conflicting classifications of pathogenicity. Review status: criteria provided, conflicting classifications (1 of 4 stars). 7 submissions from 7 submitters: Uncertain significance (6); Likely benign (1). Last evaluated 2026-02-01.

Conditions:
Developmental and epileptic encephalopathy, 42 (DEE42A). Also called: DEVELOPMENTAL AND EPILEPTIC ENCEPHALOPATHY 42A; EPILEPTIC ENCEPHALOPATHY, EARLY INFANTILE, 42A; Epileptic encephalopathy, early infantile, 42. Identifiers: MedGen C4310716, MONDO:0014917, OMIM 617106.
Episodic ataxia type 2 (EA2). Also called: ATAXIA, EPISODIC, WITH NYSTAGMUS; ATAXIA, FAMILIAL PAROXYSMAL; CEREBELLAR ATAXIA, PAROXYSMAL, ACETAZOLAMIDE-RESPONSIVE; CEREBELLOPATHY, HEREDITARY PAROXYSMAL; ACETAZOLAMIDE-RESPONSIVE HEREDITARY PAROXYSMAL CEREBELLAR ATAXIA; EPISODIC ATAXIA, NYSTAGMUS-ASSOCIATED. Identifiers: Orphanet 97, MedGen C1720416, MONDO:0007163, OMIM 108500.
Inborn genetic diseases. Identifiers: MedGen C0950123, MeSH D030342.
Spinocerebellar ataxia type 6 (SCA6). Identifiers: Orphanet 98758, MedGen C0752124, MONDO:0008457, OMIM 183086.
Migraine, familial hemiplegic, 1. Also called: MIGRAINE, FAMILIAL HEMIPLEGIC 1, WITH PROGRESSIVE CEREBELLAR ATAXIA. Identifiers: Orphanet 569, MedGen C1832884, MONDO:0020756, OMIM 141500, MONDO:0007714.

Allele frequency attached by ClinVar (database versions not stated): gnomAD 0.00001; gnomAD exomes 0.00003 and 0.00004; ExAC 0.00006; TOPMed 0.00006.
gnomAD v4.1: 41 of 1,610,230 alleles (0.0025%); highest among the groups gnomAD compares: Middle Eastern, 0.049%; no homozygotes.

Submissions (7):

CeGaT Center for Human Genetics Tuebingen
Classification: Uncertain significance. Last evaluated: 2026-02-01. Review status: criteria provided, single submitter. Criteria: CeGaT Center For Human Genetics Tuebingen Variant Classification Criteria Version 2. Collection method: clinical testing. Allele origin: germline. Affected: yes. Observed: 2 variant alleles.

Labcorp Genetics (formerly Invitae), Labcorp
Classification: Likely benign for Developmental and epileptic encephalopathy, 42; Episodic ataxia type 2. Last evaluated: 2025-09-10. Review status: criteria provided, single submitter. Criteria: Invitae Variant Classification Sherloc (09022015). Collection method: clinical testing. Allele origin: germline.

GeneDx
Classification: Uncertain significance. Last evaluated: 2025-05-02. Review status: criteria provided, single submitter. Criteria: GeneDx Variant Classification Process June 2021. Collection method: clinical testing. Allele origin: germline. Affected: yes.
Comment: In silico analysis supports that this missense variant has a deleterious effect on protein structure/function; This variant is associated with the following publications: (PMID: 34426522, 37422902, 28455667)

Fulgent Genetics
Classification: Uncertain significance for Episodic ataxia type 2; Migraine, familial hemiplegic, 1; Spinocerebellar ataxia type 6; Developmental and epileptic encephalopathy, 42. Last evaluated: 2022-01-18. Review status: criteria provided, single submitter. Criteria: ACMG Guidelines, 2015. Collection method: clinical testing. Allele origin: unknown.

Institute of Human Genetics, University of Leipzig Medical Center
Classification: Uncertain significance for Developmental and epileptic encephalopathy, 42. Last evaluated: 2018-09-06. Review status: criteria provided, single submitter. Criteria: ACMG Guidelines, 2015. Collection method: clinical testing. Allele origin: germline. Affected: yes. Observed: 1 variant allele.

Ambry Genetics
Classification: Uncertain significance for Inborn genetic diseases. Last evaluated: 2018-08-29. Review status: criteria provided, single submitter. Criteria: Ambry Variant Classification Scheme 2023. Collection method: clinical testing. Allele origin: germline.
Comment: The p.R803S variant (also known as c.2407C>A), located in coding exon 19 of the CACNA1A gene, results from a C to A substitution at nucleotide position 2407. The arginine at codon 803 is replaced by serine, an amino acid with dissimilar properties. In one study, this alteration was detected in a father and his son; both of whom had spinocerebellar ataxia symptoms (Balck A et al. J. Neurol., 2017 Jul;264:1520-1522). This amino acid position is well conserved in available vertebrate species. In addition, the in silico prediction for this alteration is inconclusive. Since supporting evidence is limited at this time, the clinical significance of this alteration remains unclear.

Institute of Human Genetics, University Hospital of Duesseldorf
Classification: Uncertain significance for Developmental and epileptic encephalopathy, 42. Review status: criteria provided, single submitter. Criteria: ACMG Guidelines, 2015. Collection method: not provided. Allele origin: germline. Inheritance: Autosomal dominant inheritance. Affected: yes.

Literature cited by the submitters: PubMed 28455667 (cited by Ambry Genetics).

NM_001127222.2(CACNA1A):c.2404C>A (p.Arg802Ser)

Gene: CACNA1A (calcium voltage-gated channel subunit alpha1 A; minus strand). Cytogenetic location: 19p13.13.
Variant type: single nucleotide variant.
Coding change: c.2404C>A on transcript NM_001127222.2 (MANE Select); coding-DNA position 2404, C replaced by A.
Protein change: p.Arg802Ser; replaces arginine 802 with serine.
Molecular consequence: missense variant.
Genome position (GRCh38, 1-based): chr19:13,299,229, G>T on the plus strand (C>A on the coding strand, the complement: CACNA1A is on the minus strand). VCF-style: chr19-13299229-G-T. GRCh37 (hg19) VCF-style: chr19-13410043-G-T.
Other names: c.2416C>A, p.Arg806Ser (NM_000068.4, NM_023035.3); c.2407C>A, p.Arg803Ser (NM_001127221.2, NM_001174080.2); short protein forms R803S, R802S, R806S.
Identifiers: ClinVar variation 423150 (VCV000423150.44), dbSNP rs760816963, ClinGen allele CA9240557.